The following is an entry in ClinVar:

NM_001006658.3(CR2):c.3074C>T (p.Ala1025Val)

Gene: CR2 (complement C3d receptor 2; plus strand). Cytogenetic location: 1q32.2.
Variant type: single nucleotide variant.
Coding change: c.3074C>T on transcript NM_001006658.3 (MANE Select); coding-DNA position 3074, C replaced by T.
Protein change: p.Ala1025Val; replaces alanine 1025 with valine.
Molecular consequence: missense variant.
Genome position (GRCh38, 1-based): chr1:207,478,056, C>T. VCF-style: chr1-207478056-C-T. GRCh37 (hg19) VCF-style: chr1-207651401-C-T.
Other names: c.2897C>T, p.Ala966Val (NM_001877.5); short protein forms A966V, A1025V.
Identifiers: ClinVar variation 1498792 (VCV001498792.5), dbSNP rs1193574112, ClinGen allele CA344541836.

ClinVar aggregate classification (germline): Uncertain significance (1 of 4 stars; one submission).

Conditions:
Immunodeficiency, common variable, 7. Identifiers: Orphanet 1572, Orphanet 696894, MedGen C3542922, MONDO:0013862, OMIM 614699.

Allele frequency attached by ClinVar (database versions not stated): gnomAD exomes below 0.00001 and 0.00001; TOPMed 0.00001; gnomAD 0.00002.
gnomAD v4.1: 20 of 1,613,538 alleles (0.0012%); highest among the groups gnomAD compares: South Asian, 0.0044%; no homozygotes.

Submission:

Labcorp Genetics (formerly Invitae), Labcorp
Classification: Uncertain significance for Immunodeficiency, common variable, 7. Last evaluated: 2022-09-13. Review status: criteria provided, single submitter. Criteria: Invitae Variant Classification Sherloc (09022015). Collection method: clinical testing. Allele origin: germline.
Comment: This sequence change replaces alanine, which is neutral and non-polar, with valine, which is neutral and non-polar, at codon 1025 of the CR2 protein (p.Ala1025Val). The frequency data for this variant in the population databases is considered unreliable, as metrics indicate poor data quality at this position in the gnomAD database. This variant has not been reported in the literature in individuals affected with CR2-related conditions. ClinVar contains an entry for this variant (Variation ID: 1498792). Algorithms developed to predict the effect of missense changes on protein structure and function are either unavailable or do not agree on the potential impact of this missense change (SIFT: "Tolerated"; PolyPhen-2: "Probably Damaging"; Align-GVGD: "Class C0"). In summary, the available evidence is currently insufficient to determine the role of this variant in disease. Therefore, it has been classified as a Variant of Uncertain Significance.